The following is an entry in ClinVar:

ClinVar aggregate classification (germline): Likely benign (1 of 4 stars; one submission).

Allele frequency attached by ClinVar (database versions not stated): gnomAD 0.00001; ExAC 0.00002; TOPMed 0.00003; gnomAD exomes 0.00004.
gnomAD v4.1: 40 of 1,174,864 alleles (0.0034%); highest among the groups gnomAD compares: Middle Eastern, 0.048%; no homozygotes.

Submission:

CeGaT Center for Human Genetics Tuebingen
Classification: Likely benign. Last evaluated: 2022-12-01. Review status: criteria provided, single submitter. Criteria: CeGaT Center For Human Genetics Tuebingen Variant Classification Criteria Version 2. Collection method: clinical testing. Allele origin: germline. Affected: yes. Observed: 1 variant allele.
Comment: DOCK11: BP4, BP7, BS2

NM_144658.4(DOCK11):c.1956C>T (p.Tyr652=)

Gene: DOCK11 (dedicator of cytokinesis 11; plus strand). Cytogenetic location: Xq24.
Variant type: single nucleotide variant.
Coding change: c.1956C>T on transcript NM_144658.4 (MANE Select); coding-DNA position 1956, C replaced by T.
Protein change: p.Tyr652=; no amino-acid change (tyrosine 652 retained).
Molecular consequence: synonymous variant.
Genome position (GRCh38, 1-based): chrX:118,588,297, C>T. VCF-style: chrX-118588297-C-T. GRCh37 (hg19) VCF-style: chrX-117722260-C-T.
Identifiers: ClinVar variation 2661267 (VCV002661267.24), dbSNP rs557084723, ClinGen allele CA10499022.